The following is an entry in ClinVar:

ClinVar aggregate classification (germline): Uncertain significance (1 of 4 stars; one submission).

Conditions:
Fanconi anemia (FA). Also called: Fanconi's anemia. Identifiers: Orphanet 84, MedGen C0015625, MeSH D005199, MONDO:0019391.

gnomAD v4.1: 1 of 1,613,710 alleles (0.000062%); highest among the groups gnomAD compares: Non-Finnish European, 0.000085%; no homozygotes.

Submission:

Labcorp Genetics (formerly Invitae), Labcorp
Classification: Uncertain significance for Fanconi anemia. Last evaluated: 2024-05-09. Review status: criteria provided, single submitter. Criteria: Invitae Variant Classification Sherloc (09022015). Collection method: clinical testing. Allele origin: germline.
Comment: This sequence change falls in intron 22 of the FANCA gene. It does not directly change the encoded amino acid sequence of the FANCA protein. It affects a nucleotide within the consensus splice site. This variant is not present in population databases (gnomAD no frequency). This variant has not been reported in the literature in individuals affected with FANCA-related conditions. Variants that disrupt the consensus splice site are a relatively common cause of aberrant splicing (PMID: 17576681, 9536098). Algorithms developed to predict the effect of sequence changes on RNA splicing suggest that this variant may disrupt the consensus splice site. In summary, the available evidence is currently insufficient to determine the role of this variant in disease. Therefore, it has been classified as a Variant of Uncertain Significance.

Literature cited by the submitters: PubMed 17576681; PubMed 9536098.

NM_000135.4(FANCA):c.2015-3C>G

Gene: FANCA (FA complementation group A; minus strand). Cytogenetic location: 16q24.3.
Variant type: single nucleotide variant.
Coding change: c.2015-3C>G on transcript NM_000135.4 (MANE Select); 3 bases into the intron before coding-DNA position 2015, C replaced by G.
Molecular consequence: intron variant.
Genome position (GRCh38, 1-based): chr16:89,771,817, G>C on the plus strand (C>G on the coding strand, the complement: FANCA is on the minus strand). VCF-style: chr16-89771817-G-C. GRCh37 (hg19) VCF-style: chr16-89838225-G-C.
Other names: c.2015-3C>G (NM_001286167.3).
Identifiers: ClinVar variation 3708341 (VCV003708341.2).
Genomic context (GRCh38, chr16:89,771,817, plus strand): 5'-TTGTGGCCCAGGACAGCCCTCAGTCTTTCAGAAATCACTGCCACCTGTGCCGATATAACT[G>C]CGAAGGAAGAAACTAGTTAGGGATGACAAGAACCCCGAAAGGAGGGATACAGCTGCGGCC-3'